The following is an entry in ClinVar:

ClinVar aggregate classification (germline): Uncertain significance. Review status: criteria provided, multiple submitters, no conflicts (2 of 4 stars). 3 submissions from 3 submitters: Uncertain significance (2). 1 of the submissions does not count toward it. Last evaluated 2025-09-08.

Conditions:
CTR9-related disorder. Also called: CTR9-related condition.

Allele frequency attached by ClinVar (database versions not stated): gnomAD 0.00010; TOPMed 0.00012.
gnomAD v4.1: 79 of 1,612,574 alleles (0.0049%); highest among the groups gnomAD compares: Admixed American, 0.037%; no homozygotes.

Submissions (3):

Labcorp Genetics (formerly Invitae), Labcorp
Classification: Uncertain significance. Last evaluated: 2025-09-08. Review status: criteria provided, single submitter. Criteria: Invitae Variant Classification Sherloc (09022015). Collection method: clinical testing. Allele origin: germline.
Comment: This sequence change affects codon 198 of the CTR9 mRNA. It is a 'silent' change, meaning that it does not change the encoded amino acid sequence of the CTR9 protein. This variant is present in population databases (rs754545267, gnomAD 0.02%). This variant has not been reported in the literature in individuals affected with CTR9-related conditions. ClinVar contains an entry for this variant (Variation ID: 1430954). Algorithms developed to predict the effect of sequence changes on RNA splicing suggest that this variant may create or strengthen a splice site. In summary, the available evidence is currently insufficient to determine the role of this variant in disease. Therefore, it has been classified as a Variant of Uncertain Significance.

Breakthrough Genomics
Classification: Uncertain significance. Review status: criteria provided, single submitter. Criteria: ACMG Guidelines, 2015. Collection method: not provided. Allele origin: germline. Inheritance: Unknown mechanism. Affected: yes.

PreventionGenetics, part of Exact Sciences
Classification: Uncertain significance for CTR9-related condition. Last evaluated: 2024-07-22. Review status: no assertion criteria provided. Collection method: clinical testing. Allele origin: germline. Not counted in ClinVar's aggregate classification.
Comment: The CTR9 c.594G>A variant is not predicted to result in an amino acid change (p.=). This variant is predicted to alter splicing based on splicing prediction programs (SpliceAI, Jaganathan K, et al. 2019. PubMed ID: 30661751). However, the use of computer prediction programs is not equivalent to functional evidence. This variant is reported in 0.023% of alleles in individuals of Latino descent in gnomAD. To our knowledge, this variant has not been reported in the literature and has been interpreted as a variant of uncertain significance in ClinVar. Although we suspect that this variant may be benign, at this time, the clinical significance of this variant is uncertain due to the absence of conclusive functional and genetic evidence.

NM_014633.5(CTR9):c.594G>A (p.Ala198=)

Gene: CTR9 (CTR9 component of Paf1/RNA polymerase II complex; plus strand). Cytogenetic location: 11p15.4.
Variant type: single nucleotide variant.
Coding change: c.594G>A on transcript NM_014633.5 (MANE Select); coding-DNA position 594, G replaced by A.
Protein change: p.Ala198=; no amino-acid change (alanine 198 retained).
Molecular consequence: synonymous variant.
Genome position (GRCh38, 1-based): chr11:10,760,174, G>A. VCF-style: chr11-10760174-G-A. GRCh37 (hg19) VCF-style: chr11-10781721-G-A.
Other names: c.594G>A, p.Ala198= (NM_001346279.2); c.594G>A (NM_014633.4).
Identifiers: ClinVar variation 1430954 (VCV001430954.8), dbSNP rs754545267, ClinGen allele CA5884916.